The following is an entry in ClinVar:

NM_015338.6(ASXL1):c.2867T>C (p.Leu956Pro)

Gene: ASXL1 (ASXL transcriptional regulator 1; plus strand). Cytogenetic location: 20q11.21.
Variant type: single nucleotide variant.
Coding change: c.2867T>C on transcript NM_015338.6 (MANE Select); coding-DNA position 2867, T replaced by C.
Protein change: p.Leu956Pro; replaces leucine 956 with proline.
Molecular consequence: missense variant.
Genome position (GRCh38, 1-based): chr20:32,435,579, T>C. VCF-style: chr20-32435579-T-C. GRCh37 (hg19) VCF-style: chr20-31023382-T-C.
Other names: c.2684T>C, p.Leu895Pro (NM_001363734.1); short protein forms L895P, L956P.
Identifiers: ClinVar variation 4588211 (VCV004588211.1).

ClinVar aggregate classification (germline): Uncertain significance (1 of 4 stars; one submission).

Conditions:
Inborn genetic diseases. Identifiers: MedGen C0950123, MeSH D030342.

Submission:

Ambry Genetics
Classification: Uncertain significance for Inborn genetic diseases. Last evaluated: 2025-10-29. Review status: criteria provided, single submitter. Criteria: Ambry Variant Classification Scheme 2023. Collection method: clinical testing. Allele origin: germline.
Comment: The p.L956P variant (also known as c.2867T>C), located in coding exon 13 of the ASXL1 gene, results from a T to C substitution at nucleotide position 2867. The leucine at codon 956 is replaced by proline, an amino acid with similar properties. This amino acid position is conserved. In addition, this alteration is predicted to be tolerated by in silico analysis. Based on the available evidence, the clinical significance of this variant remains unclear.